The following continues an entry in ClinVar:

NM_153704.6(TMEM67):c.1843T>C (p.Cys615Arg)

Gene: TMEM67. ClinVar aggregate classification (germline): Pathogenic/Likely pathogenic. Pathogenic (16); Likely pathogenic (4).

Submissions 13 to 24 of 24:

Victorian Clinical Genetics Services, Murdoch Childrens Research Institute
Classification: Pathogenic for Joubert syndrome 6. Last evaluated: 2019-02-10. Review status: criteria provided, single submitter. Criteria: ACMG Guidelines, 2015. Collection method: clinical testing. Allele origin: unknown. Affected: yes.
Comment: A heterozygous missense variant, NM_153704.5(TMEM67):c.1843T>C, has been identified in exon 18 of 28 of the TMEM67 gene. The variant is predicted to result in a major amino acid change from cysteine to arginine at position 615 of the protein (NP_714915.3(TMEM67):p.(Cys615Arg)). The cysteine residue at this position has high conservation (100 vertebrates, UCSC), and is located within the meckelin transmembrane functional domain. In silico predictions for this variant are consistently pathogenic (Polyphen, SIFT, CADD, Mutation Taster). The variant is present in the gnomAD database at a frequency of 0.0142% (40 heterozygotes, 0 homozygotes). The variant has been previously described as pathogenic and segregated with disease in several families with TMEM67-related ciliopathies (ClinVar). Transfected IMCD3 cells displayed impaired protein localization within the mid-cell region, and did not localize to the apical cell surface (Gunay-Aygun, M., et al. (2009)). Based on current information, this variant has been classified as PATHOGENIC.

Fulgent Genetics
Classification: Pathogenic for COACH syndrome 1; Meckel syndrome, type 3; Joubert syndrome 6; Nephronophthisis 11; Bardet-Biedl syndrome 14. Last evaluated: 2018-10-31. Review status: criteria provided, single submitter. Criteria: ACMG Guidelines, 2015. Collection method: clinical testing. Allele origin: unknown.

Ambry Genetics
Classification: Pathogenic for Inborn genetic diseases. Last evaluated: 2017-08-08. Review status: criteria provided, single submitter. Criteria: Ambry exome assertion method (8-5-2015). Collection method: clinical testing. Allele origin: germline. Affected: yes. Observed: 1 variant allele.

Illumina Laboratory Services, Illumina
Classification: Pathogenic for TMEM67-Related Disorders. Last evaluated: 2017-04-27. Review status: criteria provided, single submitter. Criteria: ICSL Variant Classification Criteria 09 May 2019. Collection method: clinical testing. Allele origin: germline.
Comment: Across a selection of available literature, the TMEM67 c.1843T>C (p.Cys615Arg) missense variant has been identified in a homozygous state in seven patients and in a compound heterozygous state in at least 11 patients with TMEM67-related disorders, which include the phenotypically overlapping disorders nephronophthisis, Joubert syndrome, and Meckel syndrome (Otto et al. 2009; Tallili et al. 2009; Gunay-Aygun et al. 2009; Seeman et al. 2010; Halbritter et al. 2013). The p.Cys615Arg variant was absent from 484 controls and is reported at a frequency of 0.00043 in the European (non-Finnish) population of the Exome Aggregation Consortium. Functional studies in cell lines demonstrated that the p.Cys615Arg variant prevents the localization of the protein to cilia and disrupts the ability of TMEM67 to regulate Wnt signaling (Gunay-Aygun et al. 2009; Abdelhamed et al. 2015). Based on the collective evidence, the p.Cys615Arg variant is classified as pathogenic for TMEM67-related disorders. This variant was observed by ICSL as part of a predisposition screen in an ostensibly healthy population.

Centre for Mendelian Genomics, University Medical Centre Ljubljana
Classification: Likely pathogenic for Absent speech; Barrel-shaped chest; Abnormal cerebellum morphology; Cerebellar vermis hypoplasia; Congenital ocular coloboma; Global developmental delay; Floppy infant; Severe intellectual disability; Kidney disorder; Nystagmus; Pancreatitis; Peritonitis; Tremor; Visual impairment. Last evaluated: 2017-01-01. Review status: criteria provided, single submitter. Criteria: ACMG Guidelines, 2015. Collection method: clinical testing. Allele origin: unknown. Affected: yes.

UW Hindbrain Malformation Research Program, University of Washington
Classification: Pathogenic for Joubert syndrome 6. Last evaluated: 2015-02-23. Review status: criteria provided, single submitter. Criteria: Bachmann-Gagescu et al. (J Med Genet. 2015). Collection method: research. Allele origin: unknown. Affected: yes.

Centre for Mendelian Genomics, University Medical Centre Ljubljana
Classification: Likely pathogenic for Agenesis of cerebellar vermis; Oligohydramnios; Renal cyst. Last evaluated: 2014-07-01. Review status: criteria provided, single submitter. Criteria: ACMG Guidelines, 2015. Collection method: clinical testing. Allele origin: unknown. Affected: yes.

Rady Children's Institute for Genomic Medicine, Rady Children's Hospital San Diego
Classification: Pathogenic for TMEM67-Related Disorders. Review status: criteria provided, single submitter. Criteria: ACMG Guidelines, 2015. Collection method: clinical testing. Allele origin: germline. Affected: yes.
Comment: This variant results in a c.1600T>C (p.Cys534Arg) change in an alternate TMEM67 transcript NM_001142301. This variant has been previously reported as a compound heterozygous and homozygous change in patients with nephronophthisis, Joubert syndrome, and Meckel syndrome (PMID: 19574260, 19508969, 21068128, 23559409, 19540516, 20607301, 19466712, 17397051, 21866095). Functional studies demonstrated that the p.Cys615Arg variant prevents localization and disrupts the ability of TMEM67 to regulate Wnt signaling (PMID: 19540516, 26035863). The c.1843T>C (p.Cys615Arg) variant affects a moderately conserved amino acid and is predicted by multiple in silico tools to have a deleterious effect on protein function. The c.1843T>C (p.Cys615Arg) variant is present in the heterozygous state in the gnomAD population database at a frequency of 0.01% (40/282,762). Based on the available evidence, the c.1843T>C (p.Cys615Arg) variant is classified as Pathogenic.

PreventionGenetics, part of Exact Sciences
Classification: Pathogenic for TMEM67-related condition. Last evaluated: 2024-09-24. Review status: no assertion criteria provided. Collection method: clinical testing. Allele origin: germline. Not counted in ClinVar's aggregate classification.
Comment: The TMEM67 c.1843T>C variant is predicted to result in the amino acid substitution p.Cys615Arg. This variant has been reported in the compound heterozygous or homozygous state in multiple individuals with TMEM67-related disorders, including Meckel syndrome, Joubert syndrome, and nephronophthisis (Tallila et al. 2009. PubMed ID: 19466712; Otto et al. 2009. PubMed ID: 19508969; Chaki et al. 2011. PubMed ID: 21866095; Halbritter et al. 2013. PubMed ID: 23559409; Bachmann-Gagescu et al. 2015. PubMed ID: 26092869). This variant is reported in 0.028% of alleles in individuals of European (Non-Finnish) descent in gnomAD. This variant is interpreted as pathogenic.

OMIM
Classification: Pathogenic for NEPHRONOPHTHISIS 11. Last evaluated: 2009-10-01. Review status: no assertion criteria provided. Collection method: literature only. Allele origin: germline. Not counted in ClinVar's aggregate classification.

OMIM
Classification: Pathogenic for JOUBERT SYNDROME 6. Last evaluated: 2009-10-01. Review status: no assertion criteria provided. Collection method: literature only. Allele origin: germline. Not counted in ClinVar's aggregate classification.

GeneReviews
No classification provided. Condition: Nephronophthisis. Review status: no classification provided. Collection method: literature only. Allele origin: germline. Affected: yes. Not counted in ClinVar's aggregate classification.

Literature cited by the submitters: PubMed 19508969 (cited by 4 submitters); PubMed 19540516 (cited by Labcorp Genetics (formerly Invitae), Labcorp and Illumina Laboratory Services, Illumina); PubMed 19574260 (cited by Labcorp Genetics (formerly Invitae), Labcorp); PubMed 20607301 (cited by Labcorp Genetics (formerly Invitae), Labcorp and Illumina Laboratory Services, Illumina); PubMed 21068128 (cited by Labcorp Genetics (formerly Invitae), Labcorp); PubMed 23559409 (cited by Labcorp Genetics (formerly Invitae), Labcorp and Illumina Laboratory Services, Illumina); PubMed 26035863 (cited by Labcorp Genetics (formerly Invitae), Labcorp and Illumina Laboratory Services, Illumina); PubMed 36090483 (cited by Women's Health and Genetics/Laboratory Corporation of America, LabCorp); PubMed 19466712 (cited by Ambry Genetics and Illumina Laboratory Services, Illumina); PubMed 26092869 (cited by Ambry Genetics); PubMed 21866095 (cited by GeneReviews); NCBI Bookshelf NBK368475 (cited by GeneReviews).